The following is an entry in ClinVar:

NM_198407.2(GHSR):c.710G>A (p.Arg237Lys)

Gene: GHSR (growth hormone secretagogue receptor; minus strand). Cytogenetic location: 3q26.31.
Variant type: single nucleotide variant.
Coding change: c.710G>A on transcript NM_198407.2 (MANE Select); coding-DNA position 710, G replaced by A.
Protein change: p.Arg237Lys; replaces arginine 237 with lysine.
Molecular consequence: missense variant.
Genome position (GRCh38, 1-based): chr3:172,447,704, C>T on the plus strand (G>A on the coding strand, the complement: GHSR is on the minus strand). VCF-style: chr3-172447704-C-T. GRCh37 (hg19) VCF-style: chr3-172165494-C-T.
Other names: c.710G>A, p.Arg237Lys (NM_004122.2); short protein forms R237K.
Identifiers: ClinVar variation 2004797 (VCV002004797.4), dbSNP rs777777248, ClinGen allele CA2706419.

ClinVar aggregate classification (germline): Uncertain significance (1 of 4 stars; one submission).

Allele frequency attached by ClinVar (database versions not stated): gnomAD exomes 0.00001; ExAC 0.00002.

Submission:

Labcorp Genetics (formerly Invitae), Labcorp
Classification: Uncertain significance. Last evaluated: 2022-06-11. Review status: criteria provided, single submitter. Criteria: Invitae Variant Classification Sherloc (09022015). Collection method: clinical testing. Allele origin: germline.
Comment: This sequence change replaces arginine, which is basic and polar, with lysine, which is basic and polar, at codon 237 of the GHSR protein (p.Arg237Lys). This variant is present in population databases (rs777777248, gnomAD 0.006%). This variant has not been reported in the literature in individuals affected with GHSR-related conditions. Algorithms developed to predict the effect of missense changes on protein structure and function output the following: SIFT: "Tolerated"; PolyPhen-2: "Probably Damaging"; Align-GVGD: "Class C0". The lysine amino acid residue is found in multiple mammalian species, which suggests that this missense change does not adversely affect protein function. In summary, the available evidence is currently insufficient to determine the role of this variant in disease. Therefore, it has been classified as a Variant of Uncertain Significance.